The following is an entry in ClinVar:

NM_001130823.3(DNMT1):c.373G>A (p.Ala125Thr)

Gene: DNMT1 (DNA methyltransferase 1; minus strand). Cytogenetic location: 19p13.2.
Variant type: single nucleotide variant.
Coding change: c.373G>A on transcript NM_001130823.3 (MANE Select); coding-DNA position 373, G replaced by A.
Protein change: p.Ala125Thr; replaces alanine 125 with threonine.
Molecular consequence: missense variant.
Genome position (GRCh38, 1-based): chr19:10,180,422, C>T on the plus strand (G>A on the coding strand, the complement: DNMT1 is on the minus strand). VCF-style: chr19-10180422-C-T. GRCh37 (hg19) VCF-style: chr19-10291098-C-T.
Other names: c.373G>A, p.Ala125Thr (NM_001318730.2, NM_001379.4); c.10G>A, p.Ala4Thr (NM_001318731.2); short protein forms A125T, A4T.
Identifiers: ClinVar variation 2430536 (VCV002430536.1), dbSNP rs1417767085, ClinGen allele CA403946259.

ClinVar aggregate classification (germline): Uncertain significance (1 of 4 stars; one submission).

Allele frequency attached by ClinVar (database versions not stated): gnomAD exomes below 0.00001.
gnomAD v4.1: 1 of 1,614,122 alleles (0.000062%); highest among the groups gnomAD compares: Admixed American, 0.0017%; no homozygotes.

Submission:

GeneDx
Classification: Uncertain significance. Last evaluated: 2022-08-19. Review status: criteria provided, single submitter. Criteria: GeneDx Variant Classification Process June 2021. Collection method: clinical testing. Allele origin: germline. Affected: yes.
Comment: Not observed at significant frequency in large population cohorts (gnomAD); In silico analysis supports that this missense variant does not alter protein structure/function; Has not been previously published as pathogenic or benign to our knowledge